The following is an entry in ClinVar:

NM_007055.4(POLR3A):c.2423G>A (p.Arg808Gln)

Gene: POLR3A (RNA polymerase III subunit A; minus strand). Cytogenetic location: 10q22.3.
Variant type: single nucleotide variant.
Coding change: c.2423G>A on transcript NM_007055.4 (MANE Select); coding-DNA position 2423, G replaced by A.
Protein change: p.Arg808Gln; replaces arginine 808 with glutamine.
Molecular consequence: missense variant.
Genome position (GRCh38, 1-based): chr10:78,001,031, C>T on the plus strand (G>A on the coding strand, the complement: POLR3A is on the minus strand). VCF-style: chr10-78001031-C-T. GRCh37 (hg19) VCF-style: chr10-79760789-C-T.
Other names: NM_007055.4(POLR3A):c.2423G>A; p.Arg808Gln; short protein forms R808Q.
Identifiers: ClinVar variation 1029126 (VCV001029126.9), dbSNP rs374831450, ClinGen allele CA5571121.

ClinVar aggregate classification (germline): Conflicting classifications of pathogenicity. Review status: criteria provided, conflicting classifications (1 of 4 stars). 4 submissions from 4 submitters: Likely pathogenic (3); Uncertain significance (1). Last evaluated 2026-06-24.

Conditions:
Inborn genetic diseases. Identifiers: MedGen C0950123, MeSH D030342.
Leukodystrophy. Identifiers: Orphanet 68356, MedGen C0023520, MONDO:0019046, HP:0002415.
Leukodystrophy, hypomyelinating, 7, with or without oligodontia and/or hypogonadotropic hypogonadism (HLD7). Also called: LEUKOENCEPHALOPATHY, HYPOMYELINATING, WITH ATAXIA AND DELAYED DENTITION; ATAXIA, DELAYED DENTITION, AND HYPOMYELINATION; Ataxia, Delayed Dentition and Hypomyelination (ADDH); LEUKODYSTROPHY, HYPOMYELINATING, 7, WITH OLIGODONTIA; LEUKODYSTROPHY, HYPOMYELINATING, 7, WITH OLIGODONTIA AND HYPOGONADOTROPIC HYPOGONADISM; LEUKODYSTROPHY, HYPOMYELINATING, 7, WITHOUT OLIGODONTIA OR HYPOGONADOTROPIC HYPOGONADISM. Identifiers: Orphanet 137639, Orphanet 447893, Orphanet 447896, Orphanet 77295, Orphanet 88637, MedGen CN034185, MONDO:0011897, OMIM 607694.

Allele frequency attached by ClinVar (database versions not stated): ExAC 0.00001; gnomAD exomes below 0.00001; TOPMed 0.00002; ESP Exome Variant Server 0.00008.

Submissions (4):

Ambry Genetics
Classification: Likely pathogenic for Inborn genetic diseases. Last evaluated: 2026-06-24. Review status: criteria provided, single submitter. Criteria: Ambry Variant Classification Scheme 2023. Collection method: clinical testing. Allele origin: germline.
Comment: The c.2423G>A (p.R808Q) alteration is located in exon 18 (coding exon 18) of the POLR3A gene. This alteration results from a G to A substitution at nucleotide position 2423, causing the arginine (R) at amino acid position 808 to be replaced by a glutamine (Q). Based on data from gnomAD, the A allele has an overall frequency of <0.001% (1/251314) total alleles studied. The highest observed frequency was 0.001% (1/113722) of European (non-Finnish) alleles. This variant has been identified in the homozygous state in individual(s) with features consistent with POLR3A-related leukodystrophy (Kaur, 2021; Tewari, 2018; external communication). This amino acid position is highly conserved in available vertebrate species. This alteration is predicted to be deleterious by in silico analysis. Based on the available evidence, this alteration is classified as likely pathogenic.

Broad Center for Mendelian Genomics, Broad Institute of MIT and Harvard
Classification: Likely pathogenic for Leukodystrophy. Last evaluated: 2025-05-07. Review status: criteria provided, single submitter. Criteria: ACMG Guidelines, 2015. Collection method: curation. Allele origin: germline. Inheritance: Autosomal recessive inheritance.
Comment: The p.Arg808Gln variant in POLR3A has been reported in 2 individuals with POLR3A related disorders (PMID: 29618326, 34302356), and has been identified in 0.003% (2/74878) of African/African American chromosomes by the Genome Aggregation Database (gnomAD; dbSNP ID: rs374831450). Although this variant has been seen in the general population in a heterozygous state, its frequency is low enough to be consistent with a recessive carrier frequency. This variant has also been reported in ClinVar (Variation ID: 1029126) and has been interpreted as likely pathogenic by Baylor Genetics and as a variant of uncertain significance by Labcorp Genetics. Of the two affected individuals, both were homozygotes, which increases the likelihood that the p.Arg808Gln variant is pathogenic (PMID: 29618326, 343023565). Computational prediction tools and conservation analyses suggest that this variant may impact the protein, though this information is not predictive enough to determine pathogenicity. The number of missense variants reported in POLR3A in the general population is lower than expected, suggesting there is little benign variation in this gene and slightly increasing the possibility that a missense variant in this gene may not be tolerated. In summary, although additional studies are required to fully establish its clinical significance, this variant is likely pathogenic for autosomal recessive hypomyelinating leukodystrophy. ACMG/AMP Criteria applied: PP3_moderate, PM3, PP2, PM2_supporting (Richards 2015).

Labcorp Genetics (formerly Invitae), Labcorp
Classification: Uncertain significance. Last evaluated: 2024-10-24. Review status: criteria provided, single submitter. Criteria: Invitae Variant Classification Sherloc (09022015). Collection method: clinical testing. Allele origin: germline.
Comment: This sequence change replaces arginine, which is basic and polar, with glutamine, which is neutral and polar, at codon 808 of the POLR3A protein (p.Arg808Gln). The frequency data for this variant in the population databases is considered unreliable, as metrics indicate poor data quality at this position in the gnomAD database. This missense change has been observed in individual(s) with POLR3A-related leukodystrophy (PMID: 29618326, 34302356). ClinVar contains an entry for this variant (Variation ID: 1029126). Invitae Evidence Modeling of protein sequence and biophysical properties (such as structural, functional, and spatial information, amino acid conservation, physicochemical variation, residue mobility, and thermodynamic stability) indicates that this missense variant is expected to disrupt POLR3A protein function with a positive predictive value of 80%. In summary, the available evidence is currently insufficient to determine the role of this variant in disease. Therefore, it has been classified as a Variant of Uncertain Significance.

Baylor Genetics
Classification: Likely pathogenic for Leukodystrophy, hypomyelinating, 7, with or without oligodontia and/or hypogonadotropic hypogonadism. Last evaluated: 2019-10-03. Review status: criteria provided, single submitter. Criteria: ACMG Guidelines, 2015. Collection method: clinical testing. Allele origin: unknown. Affected: yes.
Comment: This variant was determined to be likely pathogenic according to ACMG Guidelines, 2015 [PMID:25741868]. This variant has been previously reported in one affected individual [PMID: 29618326]

Literature cited by the submitters: PubMed 29618326 (cited by 3 submitters); PubMed 34302356 (cited by Ambry Genetics and Labcorp Genetics (formerly Invitae), Labcorp).